The following is an entry in ClinVar:

NM_001106.4(ACVR2B):c.22C>T (p.Leu8Phe)

Genes: ACVR2B (activin A receptor type 2B; plus strand), ACVR2B-AS1 (ACVR2B antisense RNA 1; minus strand), LOC129936486 (ATAC-STARR-seq lymphoblastoid silent region 14212; plus strand). Cytogenetic location: 3p22.2.
Variant type: single nucleotide variant.
Coding change: c.22C>T on transcript NM_001106.4 (MANE Select); coding-DNA position 22, C replaced by T.
Protein change: p.Leu8Phe; replaces leucine 8 with phenylalanine.
Molecular consequence: missense variant.
Genome position (GRCh38, 1-based): chr3:38,454,344, C>T. VCF-style: chr3-38454344-C-T. GRCh37 (hg19) VCF-style: chr3-38495835-C-T.
Other names: c.22C>T (NM_001106.3); short protein forms L8F.
Identifiers: ClinVar variation 2190827 (VCV002190827.6), dbSNP rs1470129412, ClinGen allele CA352120621.
Genomic context (GRCh38, chr3:38,454,344, plus strand): 5'-CCGCGGGCTCCGGGTGTGCGCGGGGCGGCGCCGCGGAACATGACGGCGCCCTGGGTGGCC[C>T]TCGCCCTCCTCTGGGGATCGCTGTGCGCCGGTAAGAACTGGGCGCGGCGCGGGGACGCCG-3'
Protein context (NP_001097.2, residues 1-18): MTAPWVA[Leu8Phe]ALLWGSLCAG

ClinVar aggregate classification (germline): Uncertain significance. Review status: criteria provided, multiple submitters, no conflicts (2 of 4 stars). 2 submissions from 2 submitters: Uncertain significance (2). Last evaluated 2024-08-19.

Conditions:
Heterotaxy, visceral, 4, autosomal (HTX4). Identifiers: Orphanet 450, MedGen C3151057, MONDO:0013403, OMIM 613751.

Allele frequency attached by ClinVar (database versions not stated): gnomAD 0.00001; gnomAD exomes 0.00001; TOPMed 0.00001.
gnomAD v4.1: 18 of 1,297,606 alleles (0.0014%); highest among the groups gnomAD compares: East Asian, 0.0063%; no homozygotes.

Submissions (2):

Labcorp Genetics (formerly Invitae), Labcorp
Classification: Uncertain significance for Heterotaxy, visceral, 4, autosomal. Last evaluated: 2024-08-19. Review status: criteria provided, single submitter. Criteria: Invitae Variant Classification Sherloc (09022015). Collection method: clinical testing. Allele origin: germline.
Comment: This sequence change replaces leucine, which is neutral and non-polar, with phenylalanine, which is neutral and non-polar, at codon 8 of the ACVR2B protein (p.Leu8Phe). The frequency data for this variant in the population databases is considered unreliable, as metrics indicate poor data quality at this position in the gnomAD database. This variant has not been reported in the literature in individuals affected with ACVR2B-related conditions. ClinVar contains an entry for this variant (Variation ID: 2190827). Invitae Evidence Modeling of protein sequence and biophysical properties (such as structural, functional, and spatial information, amino acid conservation, physicochemical variation, residue mobility, and thermodynamic stability) indicates that this missense variant is not expected to disrupt ACVR2B protein function with a negative predictive value of 95%. In summary, the available evidence is currently insufficient to determine the role of this variant in disease. Therefore, it has been classified as a Variant of Uncertain Significance.

Ambry Genetics
Classification: Uncertain significance. Last evaluated: 2023-06-02. Review status: criteria provided, single submitter. Criteria: Ambry Variant Classification Scheme 2023. Collection method: clinical testing. Allele origin: germline.